The following is an entry in ClinVar:

ClinVar aggregate classification (germline): Pathogenic (1 of 4 stars; one submission).

Submission:

CeGaT Center for Human Genetics Tuebingen
Classification: Pathogenic. Last evaluated: 2025-05-01. Review status: criteria provided, single submitter. Criteria: CeGaT Center For Human Genetics Tuebingen Variant Classification Criteria Version 2. Collection method: clinical testing. Allele origin: germline. Affected: yes. Observed: 2 variant alleles.
Comment: BRWD3: PVS1, PM2

NM_153252.5(BRWD3):c.3255_3256del (p.Tyr1085_Ser1086delinsTer)

Gene: BRWD3 (bromodomain and WD repeat domain containing 3; minus strand). Cytogenetic location: Xq21.1.
Variant type: Deletion.
Coding change: c.3255_3256del on transcript NM_153252.5 (MANE Select); coding-DNA positions 3255 to 3256, 2 bases deleted (CA; older notation c.3255_3256delCA).
Protein change: p.Tyr1085_Ser1086delinsTer.
Molecular consequence: nonsense.
Genome position (GRCh38, 1-based): chrX:80,692,947-80,692,948, TG deleted on the plus strand (CA on the coding strand, the reverse complement: BRWD3 is on the minus strand); deleting any 2 consecutive bases within chrX:80,692,947-80,692,949 gives the same sequence; the c. name uses the placement nearest the transcript's 3' end. VCF-style (leftmost placement, unchanged base first): chrX-80692946-CTG-C. GRCh37 (hg19) VCF-style: chrX-79948445-CTG-C.
Identifiers: ClinVar variation 3778600 (VCV003778600.7).
Genomic context (GRCh38, chrX:80,692,946, plus strand): 5'-TCCACATACTACTACAATGTCATATTAGGCATAAAAGATCATAAACATACTTACTGAACA[CTG>C]TAACACTGGAAAGAACTATCAGGATACTCTGGTTGAAAAGGCTGCTGACTCTCCACAGTC-3'